The following is an entry in ClinVar:

NM_002234.4(KCNA5):c.230C>G (p.Pro77Arg)

Gene: KCNA5 (potassium voltage-gated channel subfamily A member 5; plus strand). Cytogenetic location: 12p13.32.
Variant type: single nucleotide variant.
Coding change: c.230C>G on transcript NM_002234.4 (MANE Select); coding-DNA position 230, C replaced by G.
Protein change: p.Pro77Arg; replaces proline 77 with arginine.
Molecular consequence: missense variant.
Genome position (GRCh38, 1-based): chr12:5,044,377, C>G. VCF-style: chr12-5044377-C-G. GRCh37 (hg19) VCF-style: chr12-5153543-C-G.
Other names: short protein forms P77R.
Identifiers: ClinVar variation 653091 (VCV000653091.10), dbSNP rs1003591437, ClinGen allele CA231866981.

ClinVar aggregate classification (germline): Uncertain significance (1 of 4 stars; one submission).

Conditions:
Atrial fibrillation, familial, 7 (ATFB7). Identifiers: MedGen C2677106, MONDO:0012828, OMIM 612240.

Allele frequency attached by ClinVar (database versions not stated): gnomAD 0.00001 and 0.00002; gnomAD exomes 0.00001; TOPMed 0.00001.

Submission:

Labcorp Genetics (formerly Invitae), Labcorp
Classification: Uncertain significance for Atrial fibrillation, familial, 7. Last evaluated: 2022-07-19. Review status: criteria provided, single submitter. Criteria: Invitae Variant Classification Sherloc (09022015). Collection method: clinical testing. Allele origin: germline.
Comment: This variant is present in population databases (no rsID available, gnomAD 0.002%). This sequence change replaces proline, which is neutral and non-polar, with arginine, which is basic and polar, at codon 77 of the KCNA5 protein (p.Pro77Arg). This variant has not been reported in the literature in individuals affected with KCNA5-related conditions. ClinVar contains an entry for this variant (Variation ID: 653091). Algorithms developed to predict the effect of missense changes on protein structure and function are either unavailable or do not agree on the potential impact of this missense change (SIFT: "Deleterious"; PolyPhen-2: "Benign"; Align-GVGD: "Class C0"). In summary, the available evidence is currently insufficient to determine the role of this variant in disease. Therefore, it has been classified as a Variant of Uncertain Significance.